The following is an entry in ClinVar:

ClinVar aggregate classification (germline): Uncertain significance (1 of 4 stars; one submission).

Conditions:
Early Myoclonic Encephalopathy. Identifiers: MedGen C0270855.

Allele frequency attached by ClinVar (database versions not stated): gnomAD exomes below 0.00001; TOPMed 0.00002; 1000 Genomes Project 30x 0.00016; gnomAD 0.00001; ExAC 0.00002.
gnomAD v4.1: 10 of 1,593,428 alleles (0.00063%); highest among the groups gnomAD compares: African/African-American, 0.0041%; no homozygotes.

Submission:

Labcorp Genetics (formerly Invitae), Labcorp
Classification: Uncertain significance for Early Myoclonic Encephalopathy. Last evaluated: 2022-09-01. Review status: criteria provided, single submitter. Criteria: Invitae Variant Classification Sherloc (09022015). Collection method: clinical testing. Allele origin: germline.
Comment: In summary, the available evidence is currently insufficient to determine the role of this variant in disease. Therefore, it has been classified as a Variant of Uncertain Significance. Algorithms developed to predict the effect of sequence changes on RNA splicing suggest that this variant may create or strengthen a splice site. This variant has not been reported in the literature in individuals affected with JMJD1C-related conditions. This variant is present in population databases (rs746011906, gnomAD 0.003%). This sequence change falls in intron 20 of the JMJD1C gene. It does not directly change the encoded amino acid sequence of the JMJD1C protein.

NM_032776.3(JMJD1C):c.6831-17A>G

Gene: JMJD1C (jumonji domain containing 1C; minus strand). Cytogenetic location: 10q21.3.
Variant type: single nucleotide variant.
Coding change: c.6831-17A>G on transcript NM_032776.3 (MANE Select); 17 bases into the intron before coding-DNA position 6831, A replaced by G.
Molecular consequence: intron variant.
Genome position (GRCh38, 1-based): chr10:63,184,755, T>C on the plus strand (A>G on the coding strand, the complement: JMJD1C is on the minus strand). VCF-style: chr10-63184755-T-C. GRCh37 (hg19) VCF-style: chr10-64944515-T-C.
Other names: c.6174-17A>G (NM_001322258.2, NM_001322254.2); c.6285-17A>G (NM_001318154.2, NM_001282948.2); c.6717-17A>G (NM_001322252.2); c.5967-17A>G (NM_001318153.2).
Identifiers: ClinVar variation 2190605 (VCV002190605.4), dbSNP rs746011906, ClinGen allele CA5517778.
Genomic context (GRCh38, chr10:63,184,755, plus strand): 5'-TACAATATTCTGGCAATGGCAGACTTTTTAAAAGATCTTCGTATCTGAAGAAAAACAACA[T>C]TGCCTTCTTATAAATAAAGATTTGCATTGCTAAGTATTTTCACATATATAATTTTCAAGT-3'